The following is an entry in ClinVar:

NM_001170629.2(CHD8):c.724A>G (p.Ser242Gly)

Gene: CHD8 (chromodomain helicase DNA binding protein 8; minus strand). Cytogenetic location: 14q11.2.
Variant type: single nucleotide variant.
Coding change: c.724A>G on transcript NM_001170629.2 (MANE Select); coding-DNA position 724, A replaced by G.
Protein change: p.Ser242Gly; replaces serine 242 with glycine.
Molecular consequence: missense variant. On other transcripts: intron variant (1).
Genome position (GRCh38, 1-based): chr14:21,430,920, T>C on the plus strand (A>G on the coding strand, the complement: CHD8 is on the minus strand). VCF-style: chr14-21430920-T-C. GRCh37 (hg19) VCF-style: chr14-21899079-T-C.
Other names: c.6+891A>G (NM_020920.4); short protein forms S242G.
Identifiers: ClinVar variation 3720334 (VCV003720334.2).

ClinVar aggregate classification (germline): Uncertain significance (1 of 4 stars; one submission).

gnomAD v4.1: 1 of 1,599,500 alleles (0.000063%); highest among the groups gnomAD compares: South Asian, 0.0011%; no homozygotes.

Submission:

Labcorp Genetics (formerly Invitae), Labcorp
Classification: Uncertain significance. Last evaluated: 2024-11-18. Review status: criteria provided, single submitter. Criteria: Invitae Variant Classification Sherloc (09022015). Collection method: clinical testing. Allele origin: germline.
Comment: This sequence change replaces serine, which is neutral and polar, with glycine, which is neutral and non-polar, at codon 242 of the CHD8 protein (p.Ser242Gly). This variant is not present in population databases (gnomAD no frequency). This variant has not been reported in the literature in individuals affected with CHD8-related conditions. Invitae Evidence Modeling of protein sequence and biophysical properties (such as structural, functional, and spatial information, amino acid conservation, physicochemical variation, residue mobility, and thermodynamic stability) indicates that this missense variant is not expected to disrupt CHD8 protein function with a negative predictive value of 95%. In summary, the available evidence is currently insufficient to determine the role of this variant in disease. Therefore, it has been classified as a Variant of Uncertain Significance.